The following is an entry in ClinVar:

ClinVar aggregate classification (germline): Uncertain significance (1 of 4 stars; one submission).

Conditions:
Tuberous sclerosis 2 (TSC2). Identifiers: Orphanet 805, MedGen C1860707, MONDO:0013199, OMIM 613254.

Submission:

Labcorp Genetics (formerly Invitae), Labcorp
Classification: Uncertain significance for Tuberous sclerosis 2. Last evaluated: 2024-11-21. Review status: criteria provided, single submitter. Criteria: Invitae Variant Classification Sherloc (09022015). Collection method: clinical testing. Allele origin: germline.
Comment: This sequence change replaces lysine, which is basic and polar, with glutamic acid, which is acidic and polar, at codon 1016 of the TSC2 protein (p.Lys1016Glu). This variant is not present in population databases (gnomAD no frequency). This variant has not been reported in the literature in individuals affected with TSC2-related conditions. Invitae Evidence Modeling of protein sequence and biophysical properties (such as structural, functional, and spatial information, amino acid conservation, physicochemical variation, residue mobility, and thermodynamic stability) indicates that this missense variant is not expected to disrupt TSC2 protein function with a negative predictive value of 95%. In summary, the available evidence is currently insufficient to determine the role of this variant in disease. Therefore, it has been classified as a Variant of Uncertain Significance.

NM_000548.5(TSC2):c.3046A>G (p.Lys1016Glu)

Gene: TSC2 (TSC complex subunit 2; plus strand). Cytogenetic location: 16p13.3.
Variant type: single nucleotide variant.
Coding change: c.3046A>G on transcript NM_000548.5 (MANE Select); coding-DNA position 3046, A replaced by G.
Protein change: p.Lys1016Glu; replaces lysine 1016 with glutamic acid.
Molecular consequence: missense variant. On other transcripts: non-coding transcript variant (5).
Genome position (GRCh38, 1-based): chr16:2,079,111, A>G. VCF-style: chr16-2079111-A-G. GRCh37 (hg19) VCF-style: chr16-2129112-A-G.
Other names: c.1570A>G, p.Lys524Glu (NM_001406697.1, NM_001406691.1, NM_001406695.1 and 1 more transcripts); c.1312A>G, p.Lys438Glu (NM_001406698.1); c.2917A>G, p.Lys973Glu (NM_021055.3, NM_001363528.2, NM_001370405.1); c.1573A>G, p.Lys525Glu (NM_001406690.1, NM_001406692.1, NM_001406693.1 and 1 more transcripts); c.2914A>G, p.Lys972Glu (NM_001077183.3, NM_001370404.1, NM_001406665.1); c.3046A>G, p.Lys1016Glu (NM_001114382.3); c.2806A>G, p.Lys936Glu (NM_001318827.2); c.2770A>G, p.Lys924Glu (NM_001318829.2); and 18 more; short protein forms K1002E, K773E, K973E, K983E, K438E, K525E, K816E, K924E.
Identifiers: ClinVar variation 3678493 (VCV003678493.2).